The following is an entry in ClinVar:

ClinVar aggregate classification (germline): Uncertain significance (1 of 4 stars; one submission).

Conditions:
Ullrich congenital muscular dystrophy 2 (UCMD2). Identifiers: Orphanet 75840, MedGen C4225314, MONDO:0014654, OMIM 616470.
Bethlem myopathy 2 (BTHLM2). Identifiers: Orphanet 536516, Orphanet 610, MedGen C4225313, MONDO:0034022, OMIM 616471.

Submission:

Labcorp Genetics (formerly Invitae), Labcorp
Classification: Uncertain significance for Bethlem myopathy 2; Ullrich congenital muscular dystrophy 2. Last evaluated: 2025-10-21. Review status: criteria provided, single submitter. Criteria: Invitae Variant Classification Sherloc (09022015). Collection method: clinical testing. Allele origin: germline.
Comment: This sequence change replaces glycine, which is neutral and non-polar, with glutamic acid, which is acidic and polar, at codon 2780 of the COL12A1 protein (p.Gly2780Glu). This variant is not present in population databases (gnomAD no frequency). This variant has not been reported in the literature in individuals affected with COL12A1-related conditions. ClinVar contains an entry for this variant (Variation ID: 3756966). Invitae Evidence Modeling of protein sequence and biophysical properties (such as structural, functional, and spatial information, amino acid conservation, physicochemical variation, residue mobility, and thermodynamic stability) indicates that this missense variant is not expected to disrupt COL12A1 protein function with a negative predictive value of 80%. In summary, the available evidence is currently insufficient to determine the role of this variant in disease. Therefore, it has been classified as a Variant of Uncertain Significance.

NM_004370.6(COL12A1):c.8339G>A (p.Gly2780Glu)

Gene: COL12A1 (collagen type XII alpha 1 chain; minus strand). Cytogenetic location: 6q13.
Variant type: single nucleotide variant.
Coding change: c.8339G>A on transcript NM_004370.6 (MANE Select); coding-DNA position 8339, G replaced by A.
Protein change: p.Gly2780Glu; replaces glycine 2780 with glutamic acid.
Molecular consequence: missense variant.
Genome position (GRCh38, 1-based): chr6:75,102,673, C>T on the plus strand (G>A on the coding strand, the complement: COL12A1 is on the minus strand). VCF-style: chr6-75102673-C-T. GRCh37 (hg19) VCF-style: chr6-75812389-C-T.
Other names: c.8339G>A, p.Gly2780Glu (NM_001424113.1); c.8318G>A, p.Gly2773Glu (NM_001424114.1); c.8066G>A, p.Gly2689Glu (NM_001424115.1); c.4847G>A, p.Gly1616Glu (NM_001424116.1, NM_080645.3); short protein forms G1616E, G2689E, G2773E, G2780E.
Identifiers: ClinVar variation 3756966 (VCV003756966.2).
Genomic context (GRCh38, chr6:75,102,673, plus strand): 5'-GAGAGTCCATTGGGTCCCTGAGGGCCTGGAGGACCCTGGGGGCCTGGAGGACCTATGTCT[C>T]CACGAGGACCAGGGGGCCCCTAAAATACACAAGAGAGAGACAACCACAAAGTAATGTAAT-3'
Protein context (NP_004361.3, residues 2770-2790): SGAIGPPGPR[Gly2780Glu]DIGPPGPQGP